The following is an entry in ClinVar:

ClinVar aggregate classification (germline): Uncertain significance (0 of 4 stars; one submission).

Submission:

Richard Lifton Laboratory, Yale University School of Medicine
Classification: Uncertain significance. Review status: no assertion criteria provided. Collection method: not provided. Allele origin: somatic.
Comment: YY1
ClinVar note: Converted during submission from unknown to Uncertain significance.

NM_003403.5(YY1):c.1115C>G (p.Thr372Arg)

Gene: YY1 (YY1 transcription factor; plus strand). Cytogenetic location: 14q32.2.
Variant type: single nucleotide variant.
Coding change: c.1115C>G on transcript NM_003403.5 (MANE Select); coding-DNA position 1115, C replaced by G.
Protein change: p.Thr372Arg; replaces threonine 372 with arginine.
Molecular consequence: missense variant.
Genome position (GRCh38, 1-based): chr14:100,277,470, C>G. VCF-style: chr14-100277470-C-G. GRCh37 (hg19) VCF-style: chr14-100743807-C-G.
Other names: short protein forms T372R.
Identifiers: ClinVar variation 91950 (VCV000091950.2), dbSNP rs386834266, ClinGen allele CA232225.
Genomic context (GRCh38, chr14:100,277,470, plus strand): 5'-CTTGACAGTGCACGTTCGAAGGCTGTGGGAAACGCTTTTCACTGGACTTCAATTTGCGCA[C>G]ACATGTGCGAATCCATACCGGAGACAGGCCCTATGTGTGCCCCTTCGATGGTTGTAATAA-3'
Protein context (NP_003394.1, residues 362-382): KRFSLDFNLR[Thr372Arg]HVRIHTGDRP